The following is an entry in ClinVar:

NM_182919.4(TICAM1):c.1669G>A (p.Asp557Asn)

Gene: TICAM1 (TIR domain containing adaptor molecule 1; minus strand). Cytogenetic location: 19p13.3.
Variant type: single nucleotide variant.
Coding change: c.1669G>A on transcript NM_182919.4 (MANE Select); coding-DNA position 1669, G replaced by A.
Protein change: p.Asp557Asn; replaces aspartic acid 557 with asparagine.
Molecular consequence: missense variant.
Genome position (GRCh38, 1-based): chr19:4,816,709, C>T on the plus strand (G>A on the coding strand, the complement: TICAM1 is on the minus strand). VCF-style: chr19-4816709-C-T. GRCh37 (hg19) VCF-style: chr19-4816721-C-T.
Other names: c.1627G>A, p.Asp543Asn (NM_001385678.1); c.1534G>A, p.Asp512Asn (NM_001385679.1); c.1027G>A, p.Asp343Asn (NM_001385680.1); c.1669G>A (NM_182919.2); short protein forms D557N, D343N, D512N, D543N.
Identifiers: ClinVar variation 540510 (VCV000540510.31), dbSNP rs143066432, ClinGen allele CA9105086.

ClinVar aggregate classification (germline): Uncertain significance. Review status: criteria provided, multiple submitters, no conflicts (2 of 4 stars). 4 submissions from 4 submitters: Uncertain significance (4). Last evaluated 2025-08-04.

Conditions:
Encephalopathy, acute, infection-induced (herpes-specific), susceptibility to, 6. Also called: Herpes simplex encephalitis, susceptibility to, 4. Identifiers: Orphanet 1930, MedGen C3553869, MONDO:0013921, OMIM 614850.

Allele frequency attached by ClinVar (database versions not stated): gnomAD exomes 0.00012 and 0.00004; 1000 Genomes Project 0.00020; ExAC 0.00013; 1000 Genomes Project 30x 0.00016; gnomAD 0.00063 and 0.00060; TOPMed 0.00063; ESP Exome Variant Server 0.00062.
gnomAD v4.1: 160 of 1,614,102 alleles (0.0099%); highest among the groups gnomAD compares: African/African-American, 0.19%; no homozygotes.

Submissions (4):

Ambry Genetics
Classification: Uncertain significance. Last evaluated: 2025-08-04. Review status: criteria provided, single submitter. Criteria: Ambry Variant Classification Scheme 2023. Collection method: clinical testing. Allele origin: germline.

Labcorp Genetics (formerly Invitae), Labcorp
Classification: Uncertain significance for Encephalopathy, acute, infection-induced (herpes-specific), susceptibility to, 6. Last evaluated: 2024-11-23. Review status: criteria provided, single submitter. Criteria: Invitae Variant Classification Sherloc (09022015). Collection method: clinical testing. Allele origin: germline.
Comment: This sequence change replaces aspartic acid, which is acidic and polar, with asparagine, which is neutral and polar, at codon 557 of the TICAM1 protein (p.Asp557Asn). This variant is present in population databases (rs143066432, gnomAD 0.2%). This variant has not been reported in the literature in individuals affected with TICAM1-related conditions. ClinVar contains an entry for this variant (Variation ID: 540510). An algorithm developed to predict the effect of missense changes on protein structure and function (PolyPhen-2) suggests that this variant¬†is likely to be tolerated. In summary, the available evidence is currently insufficient to determine the role of this variant in disease. Therefore, it has been classified as a Variant of Uncertain Significance.

CeGaT Center for Human Genetics Tuebingen
Classification: Uncertain significance. Last evaluated: 2024-04-01. Review status: criteria provided, single submitter. Criteria: CeGaT Center For Human Genetics Tuebingen Variant Classification Criteria Version 2. Collection method: clinical testing. Allele origin: germline. Affected: yes. Observed: 1 variant allele.
Comment: TICAM1: PM2:Supporting, PM3:Supporting, BP4

Breakthrough Genomics
Classification: Uncertain significance. Review status: criteria provided, single submitter. Criteria: ACMG Guidelines, 2015. Collection method: not provided. Allele origin: germline. Inheritance: Autosomal recessive inheritance. Affected: yes.